The following is an entry in ClinVar:

NM_182914.3(SYNE2):c.4704G>C (p.Glu1568Asp)

Gene: SYNE2 (spectrin repeat containing nuclear envelope protein 2; plus strand). Cytogenetic location: 14q23.2.
Variant type: single nucleotide variant.
Coding change: c.4704G>C on transcript NM_182914.3 (MANE Select); coding-DNA position 4704, G replaced by C.
Protein change: p.Glu1568Asp; replaces glutamic acid 1568 with aspartic acid.
Molecular consequence: missense variant.
Genome position (GRCh38, 1-based): chr14:64,010,092, G>C. VCF-style: chr14-64010092-G-C. GRCh37 (hg19) VCF-style: chr14-64476810-G-C.
Other names: c.4704G>C, p.Glu1568Asp (NM_015180.6); short protein forms E1568D.
Identifiers: ClinVar variation 538335 (VCV000538335.10), dbSNP rs112802347, ClinGen allele CA7220278.

ClinVar aggregate classification (germline): Uncertain significance (1 of 4 stars; one submission).

Conditions:
Emery-Dreifuss muscular dystrophy 5, autosomal dominant (EDMD5). Also called: EMERY-DREIFUSS MUSCULAR DYSTROPHY 5. Identifiers: Orphanet 261, MedGen C2751805, MONDO:0013072, OMIM 612999.

Allele frequency attached by ClinVar (database versions not stated): gnomAD exomes 0.00003; ExAC 0.00005; gnomAD 0.00007 and 0.00012; TOPMed 0.00009; ESP Exome Variant Server 0.00017; 1000 Genomes Project 0.00020; 1000 Genomes Project 30x 0.00031.
gnomAD v4.1: 114 of 1,613,328 alleles (0.0071%); highest among the groups gnomAD compares: African/African-American, 0.065%; 7 homozygotes.

Submission:

Labcorp Genetics (formerly Invitae), Labcorp
Classification: Uncertain significance for Emery-Dreifuss muscular dystrophy 5, autosomal dominant. Last evaluated: 2025-09-28. Review status: criteria provided, single submitter. Criteria: Invitae Variant Classification Sherloc (09022015). Collection method: clinical testing. Allele origin: germline.
Comment: This sequence change replaces glutamic acid, which is acidic and polar, with aspartic acid, which is acidic and polar, at codon 1568 of the SYNE2 protein (p.Glu1568Asp). This variant is present in population databases (rs112802347, gnomAD 0.03%). This variant has not been reported in the literature in individuals affected with SYNE2-related conditions. ClinVar contains an entry for this variant (Variation ID: 538335). An algorithm developed to predict the effect of missense changes on protein structure and function outputs the following: PolyPhen-2: "Benign". The aspartic acid amino acid residue is found in multiple mammalian species, which suggests that this missense change does not adversely affect protein function. In summary, the available evidence is currently insufficient to determine the role of this variant in disease. Therefore, it has been classified as a Variant of Uncertain Significance.